The following is an entry in ClinVar:

ClinVar aggregate classification (germline): Uncertain significance (1 of 4 stars; one submission).

gnomAD v4.1: 1 of 1,614,176 alleles (0.000062%); highest among the groups gnomAD compares: East Asian, 0.0022%; no homozygotes.

Submission:

GeneDx
Classification: Uncertain significance. Last evaluated: 2024-02-20. Review status: criteria provided, single submitter. Criteria: GeneDx Variant Classification Process June 2021. Collection method: clinical testing. Allele origin: germline. Affected: yes.
Comment: Not observed at significant frequency in large population cohorts (gnomAD); In silico analysis supports that this missense variant does not alter protein structure/function; Has not been previously published as pathogenic or benign to our knowledge

NM_016333.4(SRRM2):c.3970G>A (p.Glu1324Lys)

Gene: SRRM2 (serine/arginine repetitive matrix 2; plus strand). Cytogenetic location: 16p13.3.
Variant type: single nucleotide variant.
Coding change: c.3970G>A on transcript NM_016333.4 (MANE Select); coding-DNA position 3970, G replaced by A.
Protein change: p.Glu1324Lys; replaces glutamic acid 1324 with lysine.
Molecular consequence: missense variant.
Genome position (GRCh38, 1-based): chr16:2,764,498, G>A. VCF-style: chr16-2764498-G-A. GRCh37 (hg19) VCF-style: chr16-2814499-G-A.
Other names: short protein forms E1324K.
Identifiers: ClinVar variation 3369522 (VCV003369522.1).
Genomic context (GRCh38, chr16:2,764,498, plus strand): 5'-TCTTGGGGTGGGCCACATTTTTCTCCAGAACATAAAGAACTGTCTAACTCCCCACTCAGG[G>A]AGAACAGCTTTGGATCACCTTTAGAATTTAGAAACTCAGGCCCACTTGGTACAGAAATGA-3'
Protein context (NP_057417.3, residues 1314-1334): HKELSNSPLR[Glu1324Lys]NSFGSPLEFR